The following is an entry in ClinVar:

ClinVar aggregate classification (germline): Benign. Review status: criteria provided, multiple submitters, no conflicts (2 of 4 stars). 2 submissions from 2 submitters: Benign (2). Last evaluated 2018-01-12.

Conditions:
Deficiency of 2-methylbutyryl-CoA dehydrogenase (ACADSB). Also called: 2-methylbutyryl-CoA dehydrogenase deficiency; SBCAD deficiency; 2-methylbutyric aciduria; Short branched-chain acyl-CoA dehydrogenase deficiency; 2-methylbutyrylglycinuria. Identifiers: Orphanet 79157, MedGen C1864912, MONDO:0012392, OMIM 610006, HP:0020147.

Allele frequency attached by ClinVar (database versions not stated): gnomAD exomes 0.21720; TOPMed 0.22346; gnomAD 0.22894 and 0.23068; 1000 Genomes Project 30x 0.23392; 1000 Genomes Project 0.23423.
gnomAD v4.1: 35,758 of 155,182 alleles (23%); highest among the groups gnomAD compares: South Asian, 31%; 4,263 homozygotes.

Submissions (2):

Illumina Laboratory Services, Illumina
Classification: Benign for Deficiency of 2-methylbutyryl-CoA dehydrogenase. Last evaluated: 2018-01-12. Review status: criteria provided, single submitter. Criteria: ICSL Variant Classification Criteria 13 December 2019. Collection method: clinical testing. Allele origin: germline.
Comment: This variant was observed in the ICSL laboratory as part of a predisposition screen in an ostensibly healthy population. It had not been previously curated by ICSL or reported in the Human Gene Mutation Database (HGMD: prior to June 1st, 2018), and was therefore a candidate for classification through an automated scoring system. Utilizing variant allele frequency, disease prevalence and penetrance estimates, and inheritance mode, an automated score was calculated to assess if this variant is too frequent to cause the disease. Based on the score and internal cut-off values, a variant classified as benign is not then subjected to further curation. The score for this variant resulted in a classification of benign for this disease.

Breakthrough Genomics
Classification: Benign. Review status: criteria provided, single submitter. Criteria: ACMG Guidelines, 2015. Collection method: not provided. Allele origin: germline. Inheritance: Autosomal recessive inheritance. Affected: yes.

NM_001609.4(ACADSB):c.*545G>A

Gene: ACADSB (acyl-CoA dehydrogenase short/branched chain; plus strand). Cytogenetic location: 10q26.13.
Variant type: single nucleotide variant.
Coding change: c.*545G>A on transcript NM_001609.4 (MANE Select); 545 bases downstream of the stop codon, G replaced by A.
Molecular consequence: 3 prime UTR variant.
Genome position (GRCh38, 1-based): chr10:123,054,310, G>A. VCF-style: chr10-123054310-G-A. GRCh37 (hg19) VCF-style: chr10-124813826-G-A.
Other names: c.*545G>A (NM_001330174.3).
Identifiers: ClinVar variation 299106 (VCV000299106.6), dbSNP rs1140593, ClinGen allele CA10635133.